The following is an entry in ClinVar:

NM_020949.3(SLC7A14):c.118G>A (p.Gly40Arg)

Genes: SLC7A14 (solute carrier family 7 member 14; minus strand), SLC7A14-AS1 (SLC7A14 antisense RNA 1; plus strand). Cytogenetic location: 3q26.2.
Variant type: single nucleotide variant.
Coding change: c.118G>A on transcript NM_020949.3 (MANE Select); coding-DNA position 118, G replaced by A.
Protein change: p.Gly40Arg; replaces glycine 40 with arginine.
Molecular consequence: missense variant.
Genome position (GRCh38, 1-based): chr3:170,526,819, C>T on the plus strand (G>A on the coding strand, the complement: SLC7A14 is on the minus strand). VCF-style: chr3-170526819-C-T. GRCh37 (hg19) VCF-style: chr3-170244608-C-T.
Other names: short protein forms G40R.
Identifiers: ClinVar variation 836797 (VCV000836797.13), dbSNP rs761442408, ClinGen allele CA2702009.

ClinVar aggregate classification (germline): Uncertain significance. Review status: criteria provided, multiple submitters, no conflicts (2 of 4 stars). 3 submissions from 3 submitters: Uncertain significance (3). Last evaluated 2025-12-16.

Allele frequency attached by ClinVar (database versions not stated): gnomAD exomes 0.00004 and 0.00006; ExAC 0.00005; gnomAD 0.00005 and 0.00006; TOPMed 0.00005.
gnomAD v4.1: 96 of 1,614,064 alleles (0.0059%); highest among the groups gnomAD compares: Middle Eastern, 0.016%; no homozygotes.

Submissions (3):

Ambry Genetics
Classification: Uncertain significance. Last evaluated: 2025-12-16. Review status: criteria provided, single submitter. Criteria: Ambry Variant Classification Scheme 2023. Collection method: clinical testing. Allele origin: germline.

Labcorp Genetics (formerly Invitae), Labcorp
Classification: Uncertain significance. Last evaluated: 2025-10-06. Review status: criteria provided, single submitter. Criteria: Invitae Variant Classification Sherloc (09022015). Collection method: clinical testing. Allele origin: germline.
Comment: This sequence change replaces glycine, which is neutral and non-polar, with arginine, which is basic and polar, at codon 40 of the SLC7A14 protein (p.Gly40Arg). This variant is present in population databases (rs761442408, gnomAD 0.008%). This variant has not been reported in the literature in individuals affected with SLC7A14-related conditions. ClinVar contains an entry for this variant (Variation ID: 836797). An algorithm developed to predict the effect of missense changes on protein structure and function (PolyPhen-2) suggests that this variant is likely to be tolerated. In summary, the available evidence is currently insufficient to determine the role of this variant in disease. Therefore, it has been classified as a Variant of Uncertain Significance.

Blueprint Genetics
Classification: Uncertain significance. Last evaluated: 2024-10-18. Review status: criteria provided, single submitter. Criteria: ACMG Guidelines, 2015. Collection method: clinical testing. Allele origin: germline.